The following is an entry in ClinVar:

NM_004006.3(DMD):c.1704G>A (p.Gln568=)

Gene: DMD (dystrophin; minus strand). Cytogenetic location: Xp21.1.
Variant type: single nucleotide variant.
Coding change: c.1704G>A on transcript NM_004006.3 (MANE Select); coding-DNA position 1704, G replaced by A.
Protein change: p.Gln568=; no amino-acid change (glutamine 568 retained).
Molecular consequence: synonymous variant.
Genome position (GRCh38, 1-based): chrX:32,573,745, C>T on the plus strand (G>A on the coding strand, the complement: DMD is on the minus strand). VCF-style: chrX-32573745-C-T. GRCh37 (hg19) VCF-style: chrX-32591862-C-T.
Other names: c.1680G>A, p.Gln560= (NM_000109.4); c.1692G>A, p.Gln564= (NM_004009.3); c.1335G>A, p.Gln445= (NM_004010.3).
Identifiers: ClinVar variation 3272380 (VCV003272380.1).

ClinVar aggregate classification (germline): Uncertain significance (1 of 4 stars; one submission).

Conditions:
Cardiovascular phenotype. Identifiers: MedGen CN230736.

gnomAD v4.1: 1 of 1,210,305 alleles (0.000083%); highest among the groups gnomAD compares: Non-Finnish European, 0.00011%; no homozygotes.

Submission:

Ambry Genetics
Classification: Uncertain significance for Cardiovascular phenotype. Last evaluated: 2024-05-09. Review status: criteria provided, single submitter. Criteria: Ambry Variant Classification Scheme 2023. Collection method: clinical testing. Allele origin: germline.
Comment: The c.1704G>A variant (also known as p.Q568Q) is located in coding exon 14 of the DMD gene. This variant results from a G to A substitution at nucleotide position 1704. This nucleotide substitution does not change the amino acid at codon 568. However, this change occurs in the last base pair of coding exon 14, which makes it likely to have some effect on normal mRNA splicing. This nucleotide position is highly conserved in available vertebrate species. In silico splice site analysis predicts that this alteration will weaken the native splice donor site and will result in the creation or strengthening of a novel splice donor site. Based on the available evidence, the clinical significance of this variant remains unclear.